The following is an entry in ClinVar:

NM_003742.4(ABCB11):c.1384A>C (p.Ser462Arg)

Gene: ABCB11 (ATP binding cassette subfamily B member 11; minus strand). Cytogenetic location: 2q31.1.
Variant type: single nucleotide variant.
Coding change: c.1384A>C on transcript NM_003742.4 (MANE Select); coding-DNA position 1384, A replaced by C.
Protein change: p.Ser462Arg; replaces serine 462 with arginine.
Molecular consequence: missense variant.
Genome position (GRCh38, 1-based): chr2:168,973,765, T>G on the plus strand (A>C on the coding strand, the complement: ABCB11 is on the minus strand). VCF-style: chr2-168973765-T-G. GRCh37 (hg19) VCF-style: chr2-169830275-T-G.
Other names: NM_003742.4:c.1384A>C; short protein forms S462R.
Identifiers: ClinVar variation 3776866 (VCV003776866.2).

ClinVar aggregate classification (germline): Conflicting classifications of pathogenicity. Review status: criteria provided, conflicting classifications (1 of 4 stars). 2 submissions from 2 submitters: Likely pathogenic (1); Uncertain significance (1). Last evaluated 2026-04-14.

Conditions:
Familial intrahepatic cholestasis. Identifiers: Orphanet 284385, MedGen CN296401, MONDO:0017290.
Progressive familial intrahepatic cholestasis type 2. Identifiers: Orphanet 79304, MedGen C3489789, MONDO:0011156, OMIM 601847.

gnomAD v4.1: 1 of 1,612,188 alleles (0.000062%); highest among the groups gnomAD compares: Non-Finnish European, 0.000085%; no homozygotes.

Submissions (2):

Genomenon, Inc
Classification: Likely pathogenic for Familial intrahepatic cholestasis. Last evaluated: 2026-04-14. Review status: criteria provided, single submitter. Criteria: Genomenon Sequence Variant Interpretation Standards - Updated. Collection method: curation. Allele origin: germline. Affected: yes.
Comment: ABCB11 p.Ser462Arg (c.1384A>C) is a missense variant that changes the amino acid at residue 462 from Serine to Arginine. This variant has been observed in at least one proband with an ABCB11-related disorder (PMID:39960943;36995996). It has been observed in trans with a pathogenic or likely pathogenic variant (PMID:39960943). It is absent or not present at a significant frequency in gnomAD. In silico models predict that this variant is possibly or probably damaging. In conclusion, we classify ABCB11 p.Ser462Arg (c.1384A>C) as a likely pathogenic variant.

Broad Center for Mendelian Genomics, Broad Institute of MIT and Harvard
Classification: Uncertain significance for Progressive familial intrahepatic cholestasis type 2. Last evaluated: 2025-01-27. Review status: criteria provided, single submitter. Criteria: ACMG Guidelines, 2015. Collection method: curation. Allele origin: germline. Inheritance: Autosomal recessive inheritance.
Comment: The p.Ser462Arg variant in ABCB11 has been reported in at least 2 individuals with BSEP deficiency (PMID: 28733223, 36995996), and has been identified in 0.00008% (1/1178642) of European (non-Finnish) chromosomes by the Genome Aggregation Database (gnomAD). Although this variant has been seen in the general population in a heterozygous state, its frequency is low enough to be consistent with a recessive carrier frequency. Computational prediction tools and conservation analyses suggest that this variant may impact the protein, though this information is not predictive enough to determine pathogenicity. In summary, the clinical significance of the p.Ser462Arg variant is uncertain. ACMG/AMP Criteria applied: PP3_moderate, PM2_supporting (Richards 2015).

Literature cited by the submitters: PubMed 39960943 (cited by Genomenon, Inc); PubMed 36995996 (cited by Genomenon, Inc).